The following is an entry in ClinVar:

ClinVar aggregate classification (germline): Uncertain significance. Review status: criteria provided, multiple submitters, no conflicts (2 of 4 stars). 2 submissions from 2 submitters: Uncertain significance (2). Last evaluated 2025-10-26.

Conditions:
Inborn genetic diseases. Identifiers: MedGen C0950123, MeSH D030342.
Dextro-looped transposition of the great arteries. Also called: Dextrotransposition of the great arteries. Identifiers: Orphanet 860, MedGen C3531771, MONDO:0019443, OMIM 608808, HP:0031348.

Allele frequency attached by ClinVar (database versions not stated): gnomAD exomes below 0.00001; TOPMed 0.00002.
gnomAD v4.1: 8 of 1,614,140 alleles (0.0005%); highest among the groups gnomAD compares: Admixed American, 0.0017%; no homozygotes.

Submissions (2):

Labcorp Genetics (formerly Invitae), Labcorp
Classification: Uncertain significance for Dextro-looped transposition of the great arteries. Last evaluated: 2025-10-26. Review status: criteria provided, single submitter. Criteria: Invitae Variant Classification Sherloc (09022015). Collection method: clinical testing. Allele origin: germline.
Comment: This sequence change replaces leucine, which is neutral and non-polar, with phenylalanine, which is neutral and non-polar, at codon 844 of the MED13L protein (p.Leu844Phe). This variant is present in population databases (no rsID available, gnomAD 0.006%). This variant has not been reported in the literature in individuals affected with MED13L-related conditions. ClinVar contains an entry for this variant (Variation ID: 2739094). Invitae Evidence Modeling of protein sequence and biophysical properties (such as structural, functional, and spatial information, amino acid conservation, physicochemical variation, residue mobility, and thermodynamic stability) indicates that this missense variant is not expected to disrupt MED13L protein function with a negative predictive value of 80%. This variant disrupts the p.Leu844 amino acid residue in MED13L. Other variant(s) that disrupt this residue have been determined to be pathogenic (PMID: 31171384). This suggests that this residue is clinically significant, and that variants that disrupt this residue are likely to be disease-causing. In summary, the available evidence is currently insufficient to determine the role of this variant in disease. Therefore, it has been classified as a Variant of Uncertain Significance.

Ambry Genetics
Classification: Uncertain significance for Inborn genetic diseases. Last evaluated: 2024-05-30. Review status: criteria provided, single submitter. Criteria: Ambry Variant Classification Scheme 2023. Collection method: clinical testing. Allele origin: germline.

Literature cited by the submitters: PubMed 31171384 (cited by Labcorp Genetics (formerly Invitae), Labcorp).

NM_015335.5(MED13L):c.2530C>T (p.Leu844Phe)

Gene: MED13L (mediator complex subunit 13L; minus strand). Cytogenetic location: 12q24.21.
Variant type: single nucleotide variant.
Coding change: c.2530C>T on transcript NM_015335.5 (MANE Select); coding-DNA position 2530, C replaced by T.
Protein change: p.Leu844Phe; replaces leucine 844 with phenylalanine.
Molecular consequence: missense variant.
Genome position (GRCh38, 1-based): chr12:116,003,042, G>A on the plus strand (C>T on the coding strand, the complement: MED13L is on the minus strand). VCF-style: chr12-116003042-G-A. GRCh37 (hg19) VCF-style: chr12-116440847-G-A.
Other names: c.2530C>T (NM_015335.4); short protein forms L844F.
Identifiers: ClinVar variation 2739094 (VCV002739094.4), dbSNP rs1361705924, ClinGen allele CA386891435.